The following is an entry in ClinVar:

NM_017547.4(FOXRED1):c.90G>A (p.Trp30Ter)

Gene: FOXRED1 (FAD dependent oxidoreductase domain containing 1; plus strand). Cytogenetic location: 11q24.2.
Variant type: single nucleotide variant.
Coding change: c.90G>A on transcript NM_017547.4 (MANE Select); coding-DNA position 90, G replaced by A.
Protein change: p.Trp30Ter; replaces tryptophan 30 with a stop codon.
Molecular consequence: nonsense. On other transcripts: non-coding transcript variant (2), intron variant (3), 5 prime UTR variant (5).
Genome position (GRCh38, 1-based): chr11:126,271,441, G>A. VCF-style: chr11-126271441-G-A. GRCh37 (hg19) VCF-style: chr11-126141336-G-A.
Other names: c.-204-1528G>A (NM_001425168.1); c.-251-1528G>A (NM_001425172.1); c.-232-1528G>A (NM_001425173.1); c.-421G>A (NM_001425170.1); c.-468G>A (NM_001425171.1); c.-449G>A (NM_001425174.1, NM_001425175.1); c.90G>A, p.Trp30Ter (NM_001425160.1, NM_001425161.1, NM_001425163.1 and 4 more transcripts); c.-441G>A (NM_001425169.1); short protein forms W30*.
Identifiers: ClinVar variation 3623335 (VCV003623335.2).
Genomic context (GRCh38, chr11:126,271,441, plus strand): 5'-CCCCAACCATGTGGGAAGGAAATGTTTGGCCCTCTGACCCTAACTACATCCCACAGACTG[G>A]GATGGAAAGGTGTCTGAGATTAAGAAGAAGATCAAGTCGATCCTGCCTGGAAGGTCCTGT-3'

ClinVar aggregate classification (germline): Pathogenic (1 of 4 stars; one submission).

Submission:

Labcorp Genetics (formerly Invitae), Labcorp
Classification: Pathogenic. Last evaluated: 2024-02-08. Review status: criteria provided, single submitter. Criteria: Invitae Variant Classification Sherloc (09022015). Collection method: clinical testing. Allele origin: germline.
Comment: This sequence change creates a premature translational stop signal (p.Trp30*) in the FOXRED1 gene. It is expected to result in an absent or disrupted protein product. Loss-of-function variants in FOXRED1 are known to be pathogenic (PMID: 20818383, 20858599). This variant is present in population databases (no rsID available, gnomAD 0.0009%). This variant has not been reported in the literature in individuals affected with FOXRED1-related conditions. For these reasons, this variant has been classified as Pathogenic.

Literature cited by the submitters: PubMed 20818383; PubMed 20858599.